The following is an entry in ClinVar:

ClinVar aggregate classification (germline): Uncertain significance. Review status: criteria provided, multiple submitters, no conflicts (2 of 4 stars). 2 submissions from 2 submitters: Uncertain significance (2). Last evaluated 2025-10-15.

Conditions:
Fanconi anemia (FA). Also called: Fanconi's anemia. Identifiers: Orphanet 84, MedGen C0015625, MeSH D005199, MONDO:0019391.
Inborn genetic diseases. Identifiers: MedGen C0950123, MeSH D030342.

Allele frequency attached by ClinVar (database versions not stated): TOPMed 0.00002; gnomAD 0.00001; ESP Exome Variant Server 0.00008; gnomAD exomes 0.00005.
gnomAD v4.1: 78 of 1,613,946 alleles (0.0048%); highest among the groups gnomAD compares: Non-Finnish European, 0.0063%; no homozygotes.

Submissions (2):

Ambry Genetics
Classification: Uncertain significance for Inborn genetic diseases. Last evaluated: 2025-10-15. Review status: criteria provided, single submitter. Criteria: Ambry Variant Classification Scheme 2023. Collection method: clinical testing. Allele origin: germline.

Labcorp Genetics (formerly Invitae), Labcorp
Classification: Uncertain significance for Fanconi anemia. Last evaluated: 2022-06-16. Review status: criteria provided, single submitter. Criteria: Invitae Variant Classification Sherloc (09022015). Collection method: clinical testing. Allele origin: germline.
Comment: This sequence change replaces glutamic acid, which is acidic and polar, with lysine, which is basic and polar, at codon 945 of the SLX4 protein (p.Glu945Lys). This variant is present in population databases (rs370212293, gnomAD 0.003%). This variant has not been reported in the literature in individuals affected with SLX4-related conditions. Algorithms developed to predict the effect of missense changes on protein structure and function output the following: SIFT: "Tolerated"; PolyPhen-2: "Benign"; Align-GVGD: "Class C0". The lysine amino acid residue is found in multiple mammalian species, which suggests that this missense change does not adversely affect protein function. In summary, the available evidence is currently insufficient to determine the role of this variant in disease. Therefore, it has been classified as a Variant of Uncertain Significance.

NM_032444.4(SLX4):c.2833G>A (p.Glu945Lys)

Gene: SLX4 (SLX4 structure-specific endonuclease subunit; minus strand). Cytogenetic location: 16p13.3.
Variant type: single nucleotide variant.
Coding change: c.2833G>A on transcript NM_032444.4 (MANE Select); coding-DNA position 2833, G replaced by A.
Protein change: p.Glu945Lys; replaces glutamic acid 945 with lysine.
Molecular consequence: missense variant.
Genome position (GRCh38, 1-based): chr16:3,590,805, C>T on the plus strand (G>A on the coding strand, the complement: SLX4 is on the minus strand). VCF-style: chr16-3590805-C-T. GRCh37 (hg19) VCF-style: chr16-3640806-C-T.
Other names: short protein forms E945K.
Identifiers: ClinVar variation 2188391 (VCV002188391.2), dbSNP rs370212293, ClinGen allele CA7866058.